The following is an entry in ClinVar:

NM_001165963.4(SCN1A):c.3959C>G (p.Ala1320Gly)

Genes: SCN1A (sodium voltage-gated channel alpha subunit 1; minus strand), LOC102724058 (uncharacterized LOC102724058; plus strand). Cytogenetic location: 2q24.3.
Variant type: single nucleotide variant.
Coding change: c.3959C>G on transcript NM_001165963.4 (MANE Select); coding-DNA position 3959, C replaced by G.
Protein change: p.Ala1320Gly; replaces alanine 1320 with glycine.
Molecular consequence: missense variant. On other transcripts: non-coding transcript variant (1).
Genome position (GRCh38, 1-based): chr2:166,009,762, G>C on the plus strand (C>G on the coding strand, the complement: SCN1A is on the minus strand). VCF-style: chr2-166009762-G-C. GRCh37 (hg19) VCF-style: chr2-166866272-G-C.
Other names: c.3875C>G, p.Ala1292Gly (NM_001165964.3, NM_001353957.2, NM_001353958.2); c.3959C>G, p.Ala1320Gly (NM_001202435.3, NM_001353948.2); c.3926C>G, p.Ala1309Gly (NM_001353949.2, NM_001353950.2, NM_001353951.2 and 2 more transcripts); c.3923C>G, p.Ala1308Gly (NM_001353954.2, NM_001353955.2); c.3872C>G, p.Ala1291Gly (NM_001353960.2); c.1517C>G, p.Ala506Gly (NM_001353961.2); short protein forms A1308G, A1292G, A1309G, A506G, A1320G, A1291G.
Identifiers: ClinVar variation 3634021 (VCV003634021.2).

ClinVar aggregate classification (germline): Uncertain significance (1 of 4 stars; one submission).

Conditions:
Early-infantile DEE. Also called: Early infantile epileptic encephalopathy; Ohtahara syndrome; Early infantile epileptic encephalopathy with suppression bursts. Identifiers: Orphanet 1934, MedGen C0393706, MONDO:0800491.

Submission:

Labcorp Genetics (formerly Invitae), Labcorp
Classification: Uncertain significance for Early-infantile DEE. Last evaluated: 2024-03-16. Review status: criteria provided, single submitter. Criteria: Invitae Variant Classification Sherloc (09022015). Collection method: clinical testing. Allele origin: germline.
Comment: This sequence change replaces alanine, which is neutral and non-polar, with glycine, which is neutral and non-polar, at codon 1320 of the SCN1A protein (p.Ala1320Gly). This variant is not present in population databases (gnomAD no frequency). This variant has not been reported in the literature in individuals affected with SCN1A-related conditions. Advanced modeling of protein sequence and biophysical properties (such as structural, functional, and spatial information, amino acid conservation, physicochemical variation, residue mobility, and thermodynamic stability) performed at Invitae indicates that this missense variant is expected to disrupt SCN1A protein function with a positive predictive value of 95%. In summary, the available evidence is currently insufficient to determine the role of this variant in disease. Therefore, it has been classified as a Variant of Uncertain Significance.